The following is an entry in ClinVar:

ClinVar aggregate classification (germline): Uncertain significance (1 of 4 stars; one submission).

Allele frequency attached by ClinVar (database versions not stated): gnomAD exomes below 0.00001.
gnomAD v4.1: 3 of 1,614,124 alleles (0.00019%); highest among the groups gnomAD compares: Non-Finnish European, 0.00025%; no homozygotes.

Submission:

Labcorp Genetics (formerly Invitae), Labcorp
Classification: Uncertain significance. Last evaluated: 2022-07-03. Review status: criteria provided, single submitter. Criteria: Invitae Variant Classification Sherloc (09022015). Collection method: clinical testing. Allele origin: germline.
Comment: In summary, the available evidence is currently insufficient to determine the role of this variant in disease. Therefore, it has been classified as a Variant of Uncertain Significance. Algorithms developed to predict the effect of missense changes on protein structure and function output the following: SIFT: "Tolerated"; PolyPhen-2: "Benign"; Align-GVGD: "Class C0". The histidine amino acid residue is found in multiple mammalian species, which suggests that this missense change does not adversely affect protein function. This variant has not been reported in the literature in individuals affected with VCAN-related conditions. This variant is present in population databases (no rsID available, gnomAD 0.004%). This sequence change replaces tyrosine, which is neutral and polar, with histidine, which is basic and polar, at codon 548 of the VCAN protein (p.Tyr548His).

NM_004385.5(VCAN):c.1642T>C (p.Tyr548His)

Gene: VCAN (versican; plus strand). Cytogenetic location: 5q14.3.
Variant type: single nucleotide variant.
Coding change: c.1642T>C on transcript NM_004385.5 (MANE Select); coding-DNA position 1642, T replaced by C.
Protein change: p.Tyr548His; replaces tyrosine 548 with histidine.
Molecular consequence: missense variant. On other transcripts: intron variant (2).
Genome position (GRCh38, 1-based): chr5:83,519,948, T>C. VCF-style: chr5-83519948-T-C. GRCh37 (hg19) VCF-style: chr5-82815767-T-C.
Other names: c.1642T>C, p.Tyr548His (NM_001164098.2); c.1042+7552T>C (NM_001164097.2, NM_001126336.3); short protein forms Y548H.
Identifiers: ClinVar variation 2156547 (VCV002156547.4), dbSNP rs1228842387, ClinGen allele CA360301362.